The following is an entry in ClinVar:

ClinVar aggregate classification (germline): Uncertain significance (1 of 4 stars; one submission).

Conditions:
Hereditary cancer-predisposing syndrome. Also called: Tumor predisposition; Hereditary neoplastic syndrome; Neoplastic Syndromes, Hereditary; Hereditary Cancer Syndrome. Identifiers: Orphanet 140162, MedGen C0027672, MeSH D009386, MONDO:0015356.

Submission:

Ambry Genetics
Classification: Uncertain significance for Hereditary cancer-predisposing syndrome. Last evaluated: 2025-04-03. Review status: criteria provided, single submitter. Criteria: Ambry Variant Classification Scheme 2023. Collection method: clinical testing. Allele origin: germline.
Comment: The p.Q346L variant (also known as c.1037A>T), located in coding exon 3 of the AXIN2 gene, results from an A to T substitution at nucleotide position 1037. The glutamine at codon 346 is replaced by leucine, an amino acid with dissimilar properties. This amino acid position is conserved. In addition, this alteration is predicted to be deleterious by in silico analysis. Based on the available evidence, the clinical significance of this variant remains unclear.

NM_004655.4(AXIN2):c.1037A>T (p.Gln346Leu)

Gene: AXIN2 (axin 2; minus strand). Cytogenetic location: 17q24.1.
Variant type: single nucleotide variant.
Coding change: c.1037A>T on transcript NM_004655.4 (MANE Select); coding-DNA position 1037, A replaced by T.
Protein change: p.Gln346Leu; replaces glutamine 346 with leucine.
Molecular consequence: missense variant.
Genome position (GRCh38, 1-based): chr17:65,541,477, T>A on the plus strand (A>T on the coding strand, the complement: AXIN2 is on the minus strand). VCF-style: chr17-65541477-T-A. GRCh37 (hg19) VCF-style: chr17-63537595-T-A.
Other names: c.1037A>T, p.Gln346Leu (NM_001363813.1); short protein forms Q346L.
Identifiers: ClinVar variation 3980877 (VCV003980877.1).